The following is an entry in ClinVar:

ClinVar aggregate classification (germline): Benign. Review status: criteria provided, multiple submitters, no conflicts (2 of 4 stars). 3 submissions from 3 submitters: Benign (3). Last evaluated 2026-02-04.

Allele frequency attached by ClinVar (database versions not stated): gnomAD exomes 0.00108 and 0.00265; ExAC 0.00290; 1000 Genomes Project 0.00679; gnomAD 0.00683 and 0.00732; ESP Exome Variant Server 0.00715; TOPMed 0.00781; 1000 Genomes Project 30x 0.00828.
gnomAD v4.1: 2,695 of 1,613,576 alleles (0.17%); highest among the groups gnomAD compares: African/African-American, 2.4%; 32 homozygotes.

Submissions (3):

Labcorp Genetics (formerly Invitae), Labcorp
Classification: Benign. Last evaluated: 2026-02-04. Review status: criteria provided, single submitter. Criteria: Invitae Variant Classification Sherloc (09022015). Collection method: clinical testing. Allele origin: germline.

Mayo Clinic Laboratories, Mayo Clinic
Classification: Benign. Last evaluated: 2024-09-18. Review status: criteria provided, single submitter. Criteria: ACMG Guidelines, 2015. Collection method: clinical testing. Allele origin: germline. Observed: 2 variant alleles.
Comment: BS1, BS2, BP4

Breakthrough Genomics
Classification: Benign. Review status: criteria provided, single submitter. Criteria: ACMG Guidelines, 2015. Collection method: not provided. Allele origin: germline. Inheritance: Autosomal recessive inheritance. Affected: yes.

NM_014875.3(KIF14):c.2201G>A (p.Arg734Gln)

Gene: KIF14 (kinesin family member 14; minus strand). Cytogenetic location: 1q32.1.
Variant type: single nucleotide variant.
Coding change: c.2201G>A on transcript NM_014875.3 (MANE Select); coding-DNA position 2201, G replaced by A.
Protein change: p.Arg734Gln; replaces arginine 734 with glutamine.
Molecular consequence: missense variant.
Genome position (GRCh38, 1-based): chr1:200,600,455, C>T on the plus strand (G>A on the coding strand, the complement: KIF14 is on the minus strand). VCF-style: chr1-200600455-C-T. GRCh37 (hg19) VCF-style: chr1-200569583-C-T.
Other names: p.Arg734Gln; c.728G>A, p.Arg243Gln (NM_001305792.1); short protein forms R243Q, R734Q.
Identifiers: ClinVar variation 716676 (VCV000716676.12), dbSNP rs114276164, ClinGen allele CA1317579.